The following is an entry in ClinVar:

NM_018117.12(WDR11):c.198+2T>C

Gene: WDR11 (WD repeat domain 11; plus strand). Cytogenetic location: 10q26.12.
Variant type: single nucleotide variant.
Coding change: c.198+2T>C on transcript NM_018117.12 (MANE Select); the canonical splice donor site of the intron after coding-DNA position 198, T replaced by C.
Molecular consequence: splice donor variant.
Genome position (GRCh38, 1-based): chr10:120,852,637, T>C. VCF-style: chr10-120852637-T-C. GRCh37 (hg19) VCF-style: chr10-122612149-T-C.
Identifiers: ClinVar variation 5007559 (VCV005007559.2).

ClinVar aggregate classification (germline): Uncertain significance (1 of 4 stars; one submission).

Conditions:
Intellectual developmental disorder, autosomal recessive 78 (MRT78). Identifiers: MedGen C5830269, MONDO:0859373, OMIM 620237.
Hypogonadotropic hypogonadism 14 with or without anosmia (HH14). Also called: HYPOGONADOTROPIC HYPOGONADISM 14 WITHOUT ANOSMIA. Identifiers: Orphanet 478, MedGen C3540450, MONDO:0013926, OMIM 614858.

Submission:

Juno Genomics, Hangzhou Juno Genomics, Inc
Classification: Uncertain significance for Intellectual developmental disorder, autosomal recessive 78; Hypogonadotropic hypogonadism 14 with or without anosmia. Review status: criteria provided, single submitter. Criteria: ACMG Guidelines, 2015. Collection method: clinical testing. Allele origin: germline.
Comment: Absent from controls (or at extremely low frequency if recessive) in Genome Aggregation Database.